The following is an entry in ClinVar:

NM_004387.4(NKX2-5):c.35T>C (p.Phe12Ser)

Gene: NKX2-5 (NK2 homeobox 5; minus strand). Cytogenetic location: 5q35.1.
Variant type: single nucleotide variant.
Coding change: c.35T>C on transcript NM_004387.4 (MANE Select); coding-DNA position 35, T replaced by C.
Protein change: p.Phe12Ser; replaces phenylalanine 12 with serine.
Molecular consequence: missense variant.
Genome position (GRCh38, 1-based): chr5:173,235,049, A>G on the plus strand (T>C on the coding strand, the complement: NKX2-5 is on the minus strand). VCF-style: chr5-173235049-A-G. GRCh37 (hg19) VCF-style: chr5-172662052-A-G.
Other names: c.35T>C, p.Phe12Ser (NM_001166175.2, NM_001166176.2); short protein forms F12S.
Identifiers: ClinVar variation 426820 (VCV000426820.2), dbSNP rs1085307815, ClinGen allele CA362163821.

ClinVar aggregate classification (germline): Uncertain significance (1 of 4 stars; one submission).

Submission:

GeneDx
Classification: Uncertain significance. Last evaluated: 2017-04-03. Review status: criteria provided, single submitter. Criteria: GeneDx Variant Classification (06012015). Collection method: clinical testing. Allele origin: germline. Affected: yes.
Comment: The F12S variant in the NKX2-5 gene has not been reported previously as a pathogenic variant, nor as a benign variant, to our knowledge. The F12S variant is not observed in large population cohorts (Lek et al., 2016; 1000 Genomes Consortium et al., 2015; Exome Variant Server). The F12S variant is a non-conservative amino acid substitution, which is likely to impact secondary protein structure as these residues differ in polarity, charge, size and/or other properties. This substitution occurs at a position that is conserved across species, and in silico analysis predicts this variant is probably damaging to the protein structure/function. We interpret F12S as a variant of uncertain significance.